The following is an entry in ClinVar:

NM_000209.4(PDX1):c.100_101delinsAG (p.Ala34Arg)

Gene: PDX1 (pancreatic and duodenal homeobox 1; plus strand). Cytogenetic location: 13q12.2.
Variant type: Indel.
Coding change: c.100_101delinsAG on transcript NM_000209.4 (MANE Select); coding-DNA positions 100 to 101, GC replaced by AG.
Protein change: p.Ala34Arg; replaces alanine 34 with arginine.
Molecular consequence: missense variant.
Genome position (GRCh38, 1-based): chr13:27,920,238-27,920,239, GC replaced by AG. VCF-style: chr13-27920238-GC-AG. GRCh37 (hg19) VCF-style: chr13-28494375-GC-AG.
Other names: short protein forms A34R.
Identifiers: ClinVar variation 4750284 (VCV004750284.1).
Genomic context (GRCh38, chr13:27,920,238, plus strand): 5'-TACAAGGACCCATGCGCGTTCCAGCGAGGCCCGGCGCCGGAGTTCAGCGCCAGCCCCCCT[GC>AG]GTGCCTGTACATGGGCCGCCAGCCCCCGCCGCCGCCGCCGCACCCGTTCCCTGGCGCCCT-3'
Protein context (NP_000200.1, residues 24-44): PAPEFSASPP[Ala34Arg]CLYMGRQPPP

ClinVar aggregate classification (germline): Uncertain significance (1 of 4 stars; one submission).

Submission:

Labcorp Genetics (formerly Invitae), Labcorp
Classification: Uncertain significance. Last evaluated: 2025-08-10. Review status: criteria provided, single submitter. Criteria: Invitae Variant Classification Sherloc (09022015). Collection method: clinical testing. Allele origin: germline.
Comment: This sequence change replaces alanine, which is neutral and non-polar, with arginine, which is basic and polar, at codon 34 of the PDX1 protein (p.Ala34Arg). Information on the frequency of this variant in the gnomAD database is not available, as this variant may be reported differently in the database. This variant has not been reported in the literature in individuals affected with PDX1-related conditions. An algorithm developed to predict the effect of missense changes on protein structure and function (PolyPhen-2) suggests that this variant is likely to be disruptive. In summary, the available evidence is currently insufficient to determine the role of this variant in disease. Therefore, it has been classified as a Variant of Uncertain Significance.